The following is an entry in ClinVar:

ClinVar aggregate classification (germline): Pathogenic. Review status: criteria provided, single submitter (1 of 4 stars). 2 submissions from 2 submitters: Pathogenic (1). 1 of the submissions does not count toward it. Last evaluated 2019-07-29.

Conditions:
Wolman disease (WOLD). Also called: LYSOSOMAL ACID LIPASE DEFICIENCY, ACUTE INFANTILE; LYSOSOMAL ACID LIPASE DEFICIENCY, COMPLETE; LIPA DEFICIENCY, COMPLETE; LAL DEFICIENCY, COMPLETE; CHOLESTEROL ESTER HYDROLASE DEFICIENCY, COMPLETE; Infantile-Onset LAL-D (Wolman Disease). Identifiers: Orphanet 75233, MedGen C0043208, MONDO:0019148, OMIM 620151.

gnomAD v4.1: 2 of 1,571,134 alleles (0.00013%); highest among the groups gnomAD compares: Non-Finnish European, 0.00018%; no homozygotes.

Submissions (2):

Labcorp Genetics (formerly Invitae), Labcorp
Classification: Pathogenic for Wolman disease. Last evaluated: 2019-07-29. Review status: criteria provided, single submitter. Criteria: Invitae Variant Classification Sherloc (09022015). Collection method: clinical testing. Allele origin: germline.
Comment: For these reasons, this variant has been classified as Pathogenic. Loss-of-function variants in LIPA are known to be pathogenic (PMID: 23485521). Algorithms developed to predict the effect of sequence changes on RNA splicing suggest that this variant may create or strengthen a splice site, but this prediction has not been confirmed by published transcriptional studies. This variant has been reported to affect LIPA protein function (PMID: 29196158). This variant has been observed in an individual affected with Wolman disease (PMID: 8956047). This variant is also known as p.Tyr22X in the literature. ClinVar contains an entry for this variant (Variation ID: 82). This variant is not present in population databases (ExAC no frequency). This sequence change creates a premature translational stop signal (p.Tyr43*) in the LIPA gene. It is expected to result in an absent or disrupted protein product.

OMIM
Classification: Pathogenic for WOLMAN DISEASE. Last evaluated: 1996-01-01. Review status: no assertion criteria provided. Collection method: literature only. Allele origin: germline. Not counted in ClinVar's aggregate classification.

Literature cited by the submitters: PubMed 23485521 (cited by Labcorp Genetics (formerly Invitae), Labcorp); PubMed 29196158 (cited by Labcorp Genetics (formerly Invitae), Labcorp); PubMed 8956047 (cited by Labcorp Genetics (formerly Invitae), Labcorp and OMIM).

NM_000235.4(LIPA):c.129C>G (p.Tyr43Ter)

Gene: LIPA (lipase A, lysosomal acid type; minus strand). Cytogenetic location: 10q23.31.
Variant type: single nucleotide variant.
Coding change: c.129C>G on transcript NM_000235.4 (MANE Select); coding-DNA position 129, C replaced by G.
Protein change: p.Tyr43Ter; replaces tyrosine 43 with a stop codon.
Molecular consequence: nonsense. On other transcripts: intron variant (1).
Genome position (GRCh38, 1-based): chr10:89,245,776, G>C on the plus strand (C>G on the coding strand, the complement: LIPA is on the minus strand). VCF-style: chr10-89245776-G-C. GRCh37 (hg19) VCF-style: chr10-91005533-G-C.
Other names: Y22*; c.129C>G, p.Tyr43Ter (NM_001127605.3); c.-120+5961C>G (NM_001288979.2); short protein forms Y43*.
Identifiers: ClinVar variation 82 (VCV000000082.12), dbSNP rs121965087, ClinGen allele CA113835.